The following is an entry in ClinVar:

NM_000257.4(MYH7):c.-8-3C>T

Gene: MYH7 (myosin heavy chain 7; minus strand). Cytogenetic location: 14q11.2.
Variant type: single nucleotide variant.
Coding change: c.-8-3C>T on transcript NM_000257.4 (MANE Select); 3 bases into the intron before 8 bases upstream of the start codon, C replaced by T.
Molecular consequence: intron variant.
Genome position (GRCh38, 1-based): chr14:23,433,743, G>A on the plus strand (C>T on the coding strand, the complement: MYH7 is on the minus strand). VCF-style: chr14-23433743-G-A. GRCh37 (hg19) VCF-style: chr14-23902952-G-A.
Other names: c.-8-3C>T (NM_001407004.1).
Identifiers: ClinVar variation 3069341 (VCV003069341.1), dbSNP rs2502323149, ClinGen allele CA2825002222.

ClinVar aggregate classification (germline): Likely benign (1 of 4 stars; one submission).

Conditions:
Cardiomyopathy (CMYO). Also called: Cardiomyopathies. Identifiers: Orphanet 167848, MedGen C0878544, MONDO:0004994, HP:0001638. Inheritance: Various modes of inheritance.

Submission:

All of Us Research Program, National Institutes of Health
Classification: Likely benign for Cardiomyopathy. Last evaluated: 2022-11-30. Review status: criteria provided, single submitter. Criteria: ACMG Guidelines, 2015. Collection method: clinical testing. Allele origin: germline. Inheritance: Autosomal dominant inheritance. Observed: 1 variant allele, 1 heterozygote.
Comment: This study involves interpretation of variants in research participants for the purpose of population health screening. Participant phenotype was not available at the time of variant classification. Additional details can be found in publication PMID: 35346344, PMCID: PMC8962531